The following is an entry in ClinVar:

NM_021830.5(TWNK):c.1296G>T (p.Leu432Phe)

Gene: TWNK (twinkle mtDNA helicase; plus strand). Cytogenetic location: 10q24.31.
Variant type: single nucleotide variant.
Coding change: c.1296G>T on transcript NM_021830.5 (MANE Select); coding-DNA position 1296, G replaced by T.
Protein change: p.Leu432Phe; replaces leucine 432 with phenylalanine.
Molecular consequence: missense variant. On other transcripts: 5 prime UTR variant (2), non-coding transcript variant (2), intron variant (1).
Genome position (GRCh38, 1-based): chr10:100,989,696, G>T. VCF-style: chr10-100989696-G-T. GRCh37 (hg19) VCF-style: chr10-102749453-G-T.
Other names: c.1296G>T, p.Leu432Phe (NM_001163812.2); c.-67G>T (NM_001163813.2, NM_001163814.2); c.-57-10G>T (NM_001368275.1); short protein forms L432F.
Identifiers: ClinVar variation 1033571 (VCV001033571.1), dbSNP rs1382315425, ClinGen allele CA378210439.

ClinVar aggregate classification (germline): Uncertain significance (1 of 4 stars; one submission).

Conditions:
Infantile onset spinocerebellar ataxia (MTDPS7). Also called: OHAHA SYNDROME; SPINOCEREBELLAR ATAXIA, INFANTILE, WITH SENSORY NEUROPATHY; Mitochondrial DNA depletion syndrome 7 (hepatocerebral type); OPHTHALMOPLEGIA, HYPOTONIA, ATAXIA, HYPOACUSIS, AND ATHETOSIS. Identifiers: Orphanet 1186, MedGen C1849096, MONDO:0010060, OMIM 271245.

Allele frequency attached by ClinVar (database versions not stated): gnomAD exomes below 0.00001; TOPMed below 0.00001; gnomAD 0.00001.
gnomAD v4.1: 2 of 1,614,062 alleles (0.00012%); highest among the groups gnomAD compares: Non-Finnish European, 0.00017%; no homozygotes.

Submission:

Baylor Genetics
Classification: Uncertain significance for Infantile onset spinocerebellar ataxia. Last evaluated: 2018-05-18. Review status: criteria provided, single submitter. Criteria: ACMG Guidelines, 2015. Collection method: clinical testing. Allele origin: unknown. Affected: yes.
Comment: This variant was determined to be of uncertain significance according to ACMG Guidelines, 2015 [PMID:25741868].